The following is an entry in ClinVar:

NM_012471.3(TRPC5):c.1293C>G (p.Ile431Met)

Gene: TRPC5 (transient receptor potential cation channel subfamily C member 5; minus strand). Cytogenetic location: Xq23.
Variant type: single nucleotide variant.
Coding change: c.1293C>G on transcript NM_012471.3 (MANE Select); coding-DNA position 1293, C replaced by G.
Protein change: p.Ile431Met; replaces isoleucine 431 with methionine.
Molecular consequence: missense variant.
Genome position (GRCh38, 1-based): chrX:111,852,382, G>C on the plus strand (C>G on the coding strand, the complement: TRPC5 is on the minus strand). VCF-style: chrX-111852382-G-C. GRCh37 (hg19) VCF-style: chrX-111095610-G-C.
Other names: short protein forms I431M.
Identifiers: ClinVar variation 3345426 (VCV003345426.1).

ClinVar aggregate classification (germline): Uncertain significance (0 of 4 stars; one submission).

Conditions:
TRPC5-related disorder. Also called: TRPC5-related condition.

Submission:

PreventionGenetics, part of Exact Sciences
Classification: Uncertain significance for TRPC5-related condition. Last evaluated: 2024-06-19. Review status: no assertion criteria provided. Collection method: clinical testing. Allele origin: germline.
Comment: The TRPC5 c.1293C>G variant is predicted to result in the amino acid substitution p.Ile431Met. To our knowledge, this variant has not been reported in the literature or in a large population database, indicating this variant is rare. At this time, the clinical significance of this variant is uncertain due to the absence of conclusive functional and genetic evidence.